The following is an entry in ClinVar:

NM_016366.3(CABP2):c.490-7G>T

Gene: CABP2 (calcium binding protein 2; minus strand). Cytogenetic location: 11q13.2.
Variant type: single nucleotide variant.
Coding change: c.490-7G>T on transcript NM_016366.3 (MANE Select); 7 bases into the intron before coding-DNA position 490, G replaced by T.
Molecular consequence: intron variant.
Genome position (GRCh38, 1-based): chr11:67,519,947, C>A on the plus strand (G>T on the coding strand, the complement: CABP2 is on the minus strand). VCF-style: chr11-67519947-C-A. GRCh37 (hg19) VCF-style: chr11-67287418-C-A.
Other names: c.508-7G>T (NM_001318496.2).
Identifiers: ClinVar variation 3352191 (VCV003352191.1).

ClinVar aggregate classification (germline): Likely benign (0 of 4 stars; one submission).

Conditions:
CABP2-related disorder. Also called: CABP2-related condition.

gnomAD v4.1: 2 of 1,603,566 alleles (0.00012%); highest among the groups gnomAD compares: Non-Finnish European, 0.000085%; no homozygotes.

Submission:

PreventionGenetics, part of Exact Sciences
Classification: Likely benign for CABP2-related condition. Last evaluated: 2024-05-20. Review status: no assertion criteria provided. Collection method: clinical testing. Allele origin: germline.
Comment: This variant is classified as likely benign based on ACMG/AMP sequence variant interpretation guidelines (Richards et al. 2015 PMID: 25741868, with internal and published modifications).